The following is an entry in ClinVar:

ClinVar aggregate classification (germline): Likely benign. Review status: criteria provided, multiple submitters, no conflicts (2 of 4 stars). 4 submissions from 4 submitters: Likely benign (4). Last evaluated 2026-09-01.

Conditions:
Cardiovascular phenotype. Identifiers: MedGen CN230736.
Dilated cardiomyopathy 1DD (CMD1DD). Identifiers: Orphanet 154, MedGen C2750995, MONDO:0013168, OMIM 613172.

Allele frequency attached by ClinVar (database versions not stated): gnomAD 0.00001; TOPMed 0.00007.

Submissions (4):

CeGaT Center for Human Genetics Tuebingen
Classification: Likely benign. Last evaluated: 2026-09-01. Review status: criteria provided, single submitter. Criteria: CeGaT Center For Human Genetics Tuebingen Variant Classification Criteria Version 2. Collection method: clinical testing. Allele origin: germline. Affected: yes. Observed: 3 variant alleles.
Comment: RBM20: BP4, BP7

Labcorp Genetics (formerly Invitae), Labcorp
Classification: Likely benign for Dilated cardiomyopathy 1DD. Last evaluated: 2025-07-14. Review status: criteria provided, single submitter. Criteria: Invitae Variant Classification Sherloc (09022015). Collection method: clinical testing. Allele origin: germline.

Mayo Clinic Laboratories, Mayo Clinic
Classification: Likely benign. Last evaluated: 2025-05-08. Review status: criteria provided, single submitter. Criteria: ACMG Guidelines, 2015. Collection method: clinical testing. Allele origin: germline. Observed: 1 variant allele.
Comment: BP4, BP7

Ambry Genetics
Classification: Likely benign for Cardiovascular phenotype. Last evaluated: 2024-06-22. Review status: criteria provided, single submitter. Criteria: Ambry Variant Classification Scheme 2023. Collection method: clinical testing. Allele origin: germline.

NM_001134363.3(RBM20):c.1218C>A (p.Ala406=)

Gene: RBM20 (RNA binding motif protein 20; plus strand). Cytogenetic location: 10q25.2.
Variant type: single nucleotide variant.
Coding change: c.1218C>A on transcript NM_001134363.3 (MANE Select); coding-DNA position 1218, C replaced by A.
Protein change: p.Ala406=; no amino-acid change (alanine 406 retained).
Molecular consequence: synonymous variant.
Genome position (GRCh38, 1-based): chr10:110,781,827, C>A. VCF-style: chr10-110781827-C-A. GRCh37 (hg19) VCF-style: chr10-112541585-C-A.
Other names: p.Ala406=; c.1218C>A (NM_001134363.1).
Identifiers: ClinVar variation 538042 (VCV000538042.16), dbSNP rs1289041673, ClinGen allele CA471365021.